The following is an entry in ClinVar:

NM_183050.4(BCKDHB):c.*731C>T

Gene: BCKDHB (branched chain keto acid dehydrogenase E1 subunit beta; plus strand). Cytogenetic location: 6q14.1.
Variant type: single nucleotide variant.
Coding change: c.*731C>T on transcript NM_183050.4 (MANE Select); 731 bases downstream of the stop codon, C replaced by T.
Molecular consequence: 3 prime UTR variant. On other transcripts: non-coding transcript variant (1), intron variant (1).
Genome position (GRCh38, 1-based): chr6:80,344,535, C>T. VCF-style: chr6-80344535-C-T. GRCh37 (hg19) VCF-style: chr6-81054252-C-T.
Other names: c.*731C>T (NM_001318975.1); c.*8+723C>T (NM_000056.5).
Identifiers: ClinVar variation 358188 (VCV000358188.5), dbSNP rs4706117, ClinGen allele CA10622793.

ClinVar aggregate classification (germline): Benign (1 of 4 stars; one submission).

Conditions:
Maple syrup urine disease (MSUD). Identifiers: Orphanet 511, MedGen C0024776, MeSH D008375, MONDO:0009563. Disease mechanism: loss of function.

Allele frequency attached by ClinVar (database versions not stated): 1000 Genomes Project 30x 0.39210; gnomAD 0.39858; 1000 Genomes Project 0.39976; TOPMed 0.40174; gnomAD exomes 0.50253.
gnomAD v4.1: 62,005 of 151,882 alleles (41%); highest among the groups gnomAD compares: Admixed American, 58%; 15,155 homozygotes.

Submission:

Illumina Laboratory Services, Illumina
Classification: Benign for Maple syrup urine disease type 1A. Last evaluated: 2018-01-13. Review status: criteria provided, single submitter. Criteria: ICSL Variant Classification Criteria 13 December 2019. Collection method: clinical testing. Allele origin: germline.
Comment: This variant was observed in the ICSL laboratory as part of a predisposition screen in an ostensibly healthy population. It had not been previously curated by ICSL or reported in the Human Gene Mutation Database (HGMD: prior to June 1st, 2018), and was therefore a candidate for classification through an automated scoring system. Utilizing variant allele frequency, disease prevalence and penetrance estimates, and inheritance mode, an automated score was calculated to assess if this variant is too frequent to cause the disease. Based on the score and internal cut-off values, a variant classified as benign is not then subjected to further curation. The score for this variant resulted in a classification of benign for this disease.